The following is an entry in ClinVar:

ClinVar aggregate classification (germline): Uncertain significance (1 of 4 stars; one submission).

Allele frequency attached by ClinVar (database versions not stated): gnomAD 0.00001; TOPMed 0.00001.
gnomAD v4.1: 1 of 1,614,028 alleles (0.000062%); highest among the groups gnomAD compares: African/African-American, 0.0013%; no homozygotes.

Submission:

Labcorp Genetics (formerly Invitae), Labcorp
Classification: Uncertain significance. Last evaluated: 2024-02-17. Review status: criteria provided, single submitter. Criteria: Invitae Variant Classification Sherloc (09022015). Collection method: clinical testing. Allele origin: germline.
Comment: This sequence change replaces proline, which is neutral and non-polar, with serine, which is neutral and polar, at codon 78 of the PROP1 protein (p.Pro78Ser). This variant is not present in population databases (gnomAD no frequency). This variant has not been reported in the literature in individuals affected with PROP1-related conditions. ClinVar contains an entry for this variant (Variation ID: 1471289). Advanced modeling of protein sequence and biophysical properties (such as structural, functional, and spatial information, amino acid conservation, physicochemical variation, residue mobility, and thermodynamic stability) has been performed at Invitae for this missense variant, however the output from this modeling did not meet the statistical confidence thresholds required to predict the impact of this variant on PROP1 protein function. In summary, the available evidence is currently insufficient to determine the role of this variant in disease. Therefore, it has been classified as a Variant of Uncertain Significance.

NM_006261.5(PROP1):c.232C>T (p.Pro78Ser)

Gene: PROP1 (PROP paired-like homeobox 1; minus strand). Cytogenetic location: 5q35.3.
Variant type: single nucleotide variant.
Coding change: c.232C>T on transcript NM_006261.5 (MANE Select); coding-DNA position 232, C replaced by T.
Protein change: p.Pro78Ser; replaces proline 78 with serine.
Molecular consequence: missense variant.
Genome position (GRCh38, 1-based): chr5:177,994,216, G>A on the plus strand (C>T on the coding strand, the complement: PROP1 is on the minus strand). VCF-style: chr5-177994216-G-A. GRCh37 (hg19) VCF-style: chr5-177421217-G-A.
Other names: short protein forms P78S.
Identifiers: ClinVar variation 1471289 (VCV001471289.8), dbSNP rs949519377, ClinGen allele CA132898143.